The following is an entry in ClinVar:

ClinVar aggregate classification (germline): Benign. Review status: criteria provided, multiple submitters, no conflicts (2 of 4 stars). 3 submissions from 3 submitters: Benign (2). 1 of the submissions does not count toward it. Last evaluated 2019-12-31.

Conditions:
WDFY3-related disorder.

Allele frequency attached by ClinVar (database versions not stated): ExAC 0.00373; gnomAD exomes 0.00124 and 0.00539; gnomAD 0.00335 and 0.00347; ESP Exome Variant Server 0.00008; 1000 Genomes Project 0.00779; TOPMed 0.00476; 1000 Genomes Project 30x 0.00859.
gnomAD v4.1: 2,318 of 1,608,554 alleles (0.14%); highest among the groups gnomAD compares: Admixed American, 3.7%; 49 homozygotes.

Submissions (5):

Labcorp Genetics (formerly Invitae), Labcorp
Classification: Benign. Last evaluated: 2019-12-31. Review status: criteria provided, single submitter. Criteria: Invitae Variant Classification Sherloc (09022015). Collection method: clinical testing. Allele origin: germline.

Breakthrough Genomics
Classification: Benign. Review status: criteria provided, single submitter. Criteria: ACMG Guidelines, 2015. Collection method: not provided. Allele origin: germline. Inheritance: Autosomal dominant inheritance. Affected: yes.

PreventionGenetics, part of Exact Sciences
Classification: Benign for WDFY3-related condition. Last evaluated: 2023-04-25. Review status: no assertion criteria provided. Collection method: clinical testing. Allele origin: germline. Not counted in ClinVar's aggregate classification.
Comment: This variant is classified as benign based on ACMG/AMP sequence variant interpretation guidelines (Richards et al. 2015 PMID: 25741868, with internal and published modifications).

Dr. Peter K. Rogan Lab, Western University
No classification provided (evidence only). Condition: Malignant tumor of esophagus. Review status: no classification provided. Collection method: in vitro. Allele origin: not applicable. Functional consequence: retained intron. Not counted in ClinVar's aggregate classification.

Dr. Peter K. Rogan Lab, Western University
No classification provided (evidence only). Condition: Malignant tumor of esophagus. Review status: no classification provided. Collection method: in vitro. Allele origin: not applicable. Functional consequence: retained intron. Not counted in ClinVar's aggregate classification.

NM_014991.6(WDFY3):c.4063-9A>G

Gene: WDFY3 (WD repeat and FYVE domain containing 3; minus strand). Cytogenetic location: 4q21.23.
Variant type: single nucleotide variant.
Coding change: c.4063-9A>G on transcript NM_014991.6 (MANE Select); 9 bases into the intron before coding-DNA position 4063, A replaced by G.
Molecular consequence: intron variant.
Genome position (GRCh38, 1-based): chr4:84,783,083, T>C on the plus strand (A>G on the coding strand, the complement: WDFY3 is on the minus strand). VCF-style: chr4-84783083-T-C. GRCh37 (hg19) VCF-style: chr4-85704236-T-C.
Other names: NC_000004.11:g.85704236T>C.
Identifiers: ClinVar variation 778311 (VCV000778311.8), dbSNP rs187613032, ClinGen allele CA2993350.